The following is an entry in ClinVar:

NM_003742.4(ABCB11):c.712G>A (p.Gly238Ser)

Gene: ABCB11 (ATP binding cassette subfamily B member 11; minus strand). Cytogenetic location: 2q31.1.
Variant type: single nucleotide variant.
Coding change: c.712G>A on transcript NM_003742.4 (MANE Select); coding-DNA position 712, G replaced by A.
Protein change: p.Gly238Ser; replaces glycine 238 with serine.
Molecular consequence: missense variant.
Genome position (GRCh38, 1-based): chr2:168,993,782, C>T on the plus strand (G>A on the coding strand, the complement: ABCB11 is on the minus strand). VCF-style: chr2-168993782-C-T. GRCh37 (hg19) VCF-style: chr2-169850292-C-T.
Other names: short protein forms G238S.
Identifiers: ClinVar variation 3367057 (VCV003367057.1).

ClinVar aggregate classification (germline): Uncertain significance (1 of 4 stars; one submission).

Conditions:
Progressive familial intrahepatic cholestasis type 2. Identifiers: Orphanet 79304, MedGen C3489789, MONDO:0011156, OMIM 601847.

Submission:

Neuberg Centre For Genomic Medicine, NCGM
Classification: Uncertain significance for Progressive familial intrahepatic cholestasis type 2. Last evaluated: 2023-05-20. Review status: criteria provided, single submitter. Criteria: ACMG Guidelines, 2015. Collection method: clinical testing. Allele origin: germline. Inheritance: Autosomal recessive inheritance. Affected: yes.
Comment: The observed missense c.712G>A (p.Gly238Ser) variant in ABCB11 gene has not been reported previously as a pathogenic variant nor as a benign variant, to our knowledge. The p.Gly238Ser variant is absent in gnomAD Exomes. This variant has not been submitted to the ClinVar database. Computational evidence (Polyphen - Possibly Damaging, SIFT - Tolerated and MutationTaster - Disease causing) predicts conflicting evidence on protein structure and function for this variant. The reference amino acid of p.Gly238Ser in ABCB11 is predicted as conserved by GERP++ and PhyloP across 100 vertebrates. The amino acid Gly at position 238 is changed to a Ser changing protein sequence and it might alter its composition and physico-chemical properties. For these reasons, this variant has been classified as a Variant of Uncertain Significance (VUS).